The following is an entry in ClinVar:

ClinVar aggregate classification (germline): Uncertain significance. Review status: criteria provided, multiple submitters, no conflicts (2 of 4 stars). 2 submissions from 2 submitters: Uncertain significance (2). Last evaluated 2025-05-30.

Conditions:
Erythrocytosis, familial, 3 (ECYT3). Identifiers: Orphanet 247511, MedGen C1853286, MONDO:0012353, OMIM 609820.

Allele frequency attached by ClinVar (database versions not stated): gnomAD exomes below 0.00001.
gnomAD v4.1: 1 of 1,607,430 alleles (0.000062%); highest among the groups gnomAD compares: Non-Finnish European, 0.000085%; no homozygotes.

Submissions (2):

Ambry Genetics
Classification: Uncertain significance. Last evaluated: 2025-05-30. Review status: criteria provided, single submitter. Criteria: Ambry Variant Classification Scheme 2023. Collection method: clinical testing. Allele origin: germline.
Comment: The p.G170R variant (also known as c.508G>C), located in coding exon 1 of the EGLN1 gene, results from a G to C substitution at nucleotide position 508. The glycine at codon 170 is replaced by arginine, an amino acid with dissimilar properties. This amino acid position is not well conserved in available vertebrate species. In addition, this alteration is predicted to be tolerated by in silico analysis. The evidence for this gene-disease relationship is limited; therefore, the clinical significance of this alteration is unclear.

Labcorp Genetics (formerly Invitae), Labcorp
Classification: Uncertain significance for Erythrocytosis, familial, 3. Last evaluated: 2022-12-23. Review status: criteria provided, single submitter. Criteria: Invitae Variant Classification Sherloc (09022015). Collection method: clinical testing. Allele origin: germline.
Comment: This sequence change replaces glycine, which is neutral and non-polar, with arginine, which is basic and polar, at codon 170 of the EGLN1 protein (p.Gly170Arg). This variant is not present in population databases (gnomAD no frequency). This variant has not been reported in the literature in individuals affected with EGLN1-related conditions. Algorithms developed to predict the effect of missense changes on protein structure and function (SIFT, PolyPhen-2, Align-GVGD) all suggest that this variant is likely to be tolerated. In summary, the available evidence is currently insufficient to determine the role of this variant in disease. Therefore, it has been classified as a Variant of Uncertain Significance.

NM_022051.3(EGLN1):c.508G>C (p.Gly170Arg)

Gene: EGLN1 (egl-9 family hypoxia inducible factor 1; minus strand). Cytogenetic location: 1q42.2.
Variant type: single nucleotide variant.
Coding change: c.508G>C on transcript NM_022051.3 (MANE Select); coding-DNA position 508, G replaced by C.
Protein change: p.Gly170Arg; replaces glycine 170 with arginine.
Molecular consequence: missense variant.
Genome position (GRCh38, 1-based): chr1:231,421,381, C>G on the plus strand (G>C on the coding strand, the complement: EGLN1 is on the minus strand). VCF-style: chr1-231421381-C-G. GRCh37 (hg19) VCF-style: chr1-231557127-C-G.
Other names: c.508G>C, p.Gly170Arg (NM_001377260.1, NM_001377261.1); c.508G>C (NM_022051.2); short protein forms G170R.
Identifiers: ClinVar variation 2715168 (VCV002715168.4), dbSNP rs2527359751, ClinGen allele CA345236767.